The following is an entry in ClinVar:

NM_002087.4(GRN):c.1562G>A (p.Cys521Tyr)

Gene: GRN (granulin precursor; plus strand). Cytogenetic location: 17q21.31.
Variant type: single nucleotide variant.
Coding change: c.1562G>A on transcript NM_002087.4 (MANE Select); coding-DNA position 1562, G replaced by A.
Protein change: p.Cys521Tyr; replaces cysteine 521 with tyrosine.
Molecular consequence: missense variant.
Genome position (GRCh38, 1-based): chr17:44,352,489, G>A. VCF-style: chr17-44352489-G-A. GRCh37 (hg19) VCF-style: chr17-42429857-G-A.
Other names: c.1562G>A (NM_002087.3); short protein forms C521Y.
Identifiers: ClinVar variation 1303116 (VCV001303116.12), dbSNP rs553119528, ClinGen allele CA8602237.

ClinVar aggregate classification (germline): Uncertain significance. Review status: criteria provided, multiple submitters, no conflicts (2 of 4 stars). 6 submissions from 6 submitters: Uncertain significance (5). 1 of the submissions does not count toward it. Last evaluated 2026-01-04.

Conditions:
Inborn genetic diseases. Identifiers: MedGen C0950123, MeSH D030342.
GRN-related frontotemporal lobar degeneration with Tdp43 inclusions (FTD2). Also called: GRN Frontotemporal Dementia; FRONTOTEMPORAL LOBAR DEGENERATION WITH UBIQUITIN-POSITIVE INCLUSIONS; FTLD-TDP, GRN-RELATED; FRONTOTEMPORAL DEMENTIA WITH TDP43 INCLUSIONS, GRN-RELATED; DEMENTIA, HEREDITARY DYSPHASIC DISINHIBITION. Identifiers: Orphanet 100070, Orphanet 282, MedGen C1843792, MONDO:0011842, OMIM 607485. Disease mechanism: loss of function.
Neuronal ceroid lipofuscinosis 11. Also called: GRN-Related Neuronal Ceroid-Lipofuscinosis. Identifiers: Orphanet 314629, Orphanet 79262, MedGen C3539123, MONDO:0013866, OMIM 614706.
GRN-related disorder. Also called: GRN-related condition; GRN-related disorders.

Allele frequency attached by ClinVar (database versions not stated): ExAC 0.00004; gnomAD exomes 0.00004 and 0.00005; gnomAD 0.00006 and 0.00007; TOPMed 0.00009; 1000 Genomes Project 30x 0.00016; 1000 Genomes Project 0.00020.
gnomAD v4.1: 66 of 1,614,106 alleles (0.0041%); highest among the groups gnomAD compares: Admixed American, 0.025%; 1 homozygote.

Submissions (6):

Labcorp Genetics (formerly Invitae), Labcorp
Classification: Uncertain significance for Neuronal ceroid lipofuscinosis 11; GRN-related frontotemporal lobar degeneration with Tdp43 inclusions. Last evaluated: 2026-01-04. Review status: criteria provided, single submitter. Criteria: Invitae Variant Classification Sherloc (09022015). Collection method: clinical testing. Allele origin: germline.
Comment: This sequence change replaces cysteine, which is neutral and slightly polar, with tyrosine, which is neutral and polar, at codon 521 of the GRN protein (p.Cys521Tyr). This variant is present in population databases (rs553119528, gnomAD 0.03%). This missense change has been observed in individual(s) with clinical features of GRN-related conditions (PMID: 19020205, 29091718, 31031559, 35531120, 35896380, 37899057). ClinVar contains an entry for this variant (Variation ID: 1303116). Invitae Evidence Modeling of protein sequence and biophysical properties (such as structural, functional, and spatial information, amino acid conservation, physicochemical variation, residue mobility, and thermodynamic stability) indicates that this missense variant is expected to disrupt GRN protein function with a positive predictive value of 80%. Experimental studies have shown that this missense change affects GRN function (PMID: 20028451, 26652843). In summary, the available evidence is currently insufficient to determine the role of this variant in disease. Therefore, it has been classified as a Variant of Uncertain Significance.

Women's Health and Genetics/Laboratory Corporation of America, LabCorp
Classification: Uncertain significance. Last evaluated: 2025-07-22. Review status: criteria provided, single submitter. Criteria: LabCorp Variant Classification Summary - May 2015. Collection method: clinical testing. Allele origin: germline.
Comment: Variant summary: GRN c.1562G>A (p.Cys521Tyr) results in a non-conservative amino acid change in the encoded protein sequence. Algorithms developed to predict the effect of missense changes on protein structure and function are either unavailable or do not agree on the potential impact of this missense change. The variant allele was found at a frequency of 5.2e-05 in 251378 control chromosomes. This frequency is not significantly higher than estimated for a pathogenic variant in GRN causing Neuronal ceroid lipofuscinosis 11 (5.2e-05 vs 0.0011), allowing no conclusion about variant significance. c.1562G>A has been observed in the heterozygous state in individuals affected with Alzheimer disease, Parkinson disease, Amyotrophic Lateral Sclerosis, and dementia (Ingannato_2023, Vernetti_2022, Steele_2018, Fernandez_2017, Cruchaga_2009, Grassano_2022). In one family, this variant was present in both affected and unaffected individuals suggesting either reudced penetrance or lack of segregation with disease (Cruchaga_2009). These report(s) do not provide unequivocal conclusions about association of the variant with GRN-related disorders. At least one publication reports experimental evidence evaluating that this variant results in normal levels of PGRN secretion in vivo and in vitro but shows altered full-length PGRN function and abnormal protease cleavage to generate GRNs (Wang_2010). The following publications have been ascertained in the context of this evaluation (PMID: 37899057, 35531120, 31031559, 29091718, 19020205, 20028451, 35896380). ClinVar contains an entry for this variant (Variation ID: 1303116). Based on the evidence outlined above, the variant was classified as uncertain significance.

Ambry Genetics
Classification: Uncertain significance for Inborn genetic diseases. Last evaluated: 2025-06-05. Review status: criteria provided, single submitter. Criteria: Ambry Variant Classification Scheme 2023. Collection method: clinical testing. Allele origin: germline.

Blueprint Genetics
Classification: Uncertain significance. Last evaluated: 2024-11-06. Review status: criteria provided, single submitter. Criteria: ACMG Guidelines, 2015. Collection method: clinical testing. Allele origin: germline.

GeneDx
Classification: Uncertain significance. Last evaluated: 2020-04-28. Review status: criteria provided, single submitter. Criteria: GeneDx Variant Classification Process June 2021. Collection method: clinical testing. Allele origin: germline. Affected: yes.
Comment: Reported previously in a family with progressive nonfluent aphasia; C521T was found in seven out of 10 family members: two with dementia, one with primary progressive aphasia and four asymptomatic, suggesting reduced penetrance or variable age of onset (Cruchaga et al., 2009); In silico analysis supports that this missense variant has a deleterious effect on protein structure/function; Published functional studies demonstrate that the C521Y variant has no effect on GRN mRNA, protein expression, maturation, secretion or stability in vivo and in vitro; however, it reduced neurite growth stimulating activity and impaired disulfide bond formation as well as elastase proteolytic processing of PGRN into mature individual GRNs; which together may contribute to neurodegeneration (Wang et al., 2010).; This variant is associated with the following publications: (PMID: 21611805, 26652843, 31031559, 19020205, 23239020, 22277331, 20020531, 20028451)

PreventionGenetics, part of Exact Sciences
Classification: Uncertain significance for GRN-related condition. Last evaluated: 2024-03-13. Review status: no assertion criteria provided. Collection method: clinical testing. Allele origin: germline. Not counted in ClinVar's aggregate classification.
Comment: The GRN c.1562G>A variant is predicted to result in the amino acid substitution p.Cys521Tyr. This variant was reported in heterozygous state in seven individuals from single family, where two individuals were affected by dementia, one by progressive primary aphasia and four were unaffected, and authors concluded this variant has reduced penetrance and variable expressivity (Cruchaga et al. 2009. PubMed ID: 19020205). In vitro and in vivo studies show that the coded protein is expressed to similar levels as the wild type, however shows reduced neurite growth stimulating activity and causes impaired cleavage of the protein by elastase (Wang et al. 2009. PubMed ID: 20028451; Karch et al. 2015. PubMed ID: 26652843). This variant is reported in 0.025% of alleles in individuals of Latino descent in gnomAD. Although we suspect that this variant may be pathogenic, at this time, the clinical significance of this variant is uncertain due to the absence of conclusive functional and genetic evidence.

Literature cited by the submitters: PubMed 19020205 (cited by 3 submitters); PubMed 29091718 (cited by 3 submitters); PubMed 31031559 (cited by 3 submitters); PubMed 35531120 (cited by 3 submitters); PubMed 35896380 (cited by 3 submitters); PubMed 37899057 (cited by Labcorp Genetics (formerly Invitae), Labcorp and Women's Health and Genetics/Laboratory Corporation of America, LabCorp); PubMed 20028451 (cited by 3 submitters); PubMed 26652843 (cited by Labcorp Genetics (formerly Invitae), Labcorp and Ambry Genetics).